The following is an entry in ClinVar:

ClinVar aggregate classification (germline): Uncertain significance (1 of 4 stars; one submission).

Conditions:
Hereditary cancer-predisposing syndrome. Also called: Tumor predisposition; Hereditary Cancer Syndrome; Hereditary neoplastic syndrome; Neoplastic Syndromes, Hereditary. Identifiers: Orphanet 140162, MedGen C0027672, MeSH D009386, MONDO:0015356.

Submission:

Ambry Genetics
Classification: Uncertain significance for Hereditary cancer-predisposing syndrome. Last evaluated: 2023-09-04. Review status: criteria provided, single submitter. Criteria: Ambry Variant Classification Scheme 2023. Collection method: clinical testing. Allele origin: germline.
Comment: The p.W1055R variant (also known as c.3163T>A), located in coding exon 25 of the POLD1 gene, results from a T to A substitution at nucleotide position 3163. The tryptophan at codon 1055 is replaced by arginine, an amino acid with dissimilar properties. This amino acid position is conserved. In addition, the in silico prediction for this alteration is inconclusive. Since supporting evidence is limited at this time, the clinical significance of this alteration remains unclear.

NM_002691.4(POLD1):c.3163T>A (p.Trp1055Arg)

Gene: POLD1 (DNA polymerase delta 1, catalytic subunit; plus strand). Cytogenetic location: 19q13.33.
Variant type: single nucleotide variant.
Coding change: c.3163T>A on transcript NM_002691.4 (MANE Select); coding-DNA position 3163, T replaced by A.
Protein change: p.Trp1055Arg; replaces tryptophan 1055 with arginine.
Molecular consequence: missense variant. On other transcripts: non-coding transcript variant (1).
Genome position (GRCh38, 1-based): chr19:50,417,214, T>A. VCF-style: chr19-50417214-T-A. GRCh37 (hg19) VCF-style: chr19-50920471-T-A.
Other names: c.3163T>A, p.Trp1055Arg (NM_001256849.1); c.3241T>A, p.Trp1081Arg (NM_001308632.1); short protein forms W1055R, W1081R.
Identifiers: ClinVar variation 2624506 (VCV002624506.2), dbSNP rs1601249847, ClinGen allele CA406987376.